The following is an entry in ClinVar:

ClinVar aggregate classification (germline): Pathogenic (1 of 4 stars; one submission).

Submission:

Labcorp Genetics (formerly Invitae), Labcorp
Classification: Pathogenic. Last evaluated: 2025-07-22. Review status: criteria provided, single submitter. Criteria: Invitae Variant Classification Sherloc (09022015). Collection method: clinical testing. Allele origin: germline.
Comment: This sequence change creates a premature translational stop signal (p.Asn397Lysfs*62) in the DDX41 gene. It is expected to result in an absent or disrupted protein product. Loss-of-function variants in DDX41 are known to be pathogenic (PMID: 26712909, 27133828). This variant is present in population databases (rs751760054, gnomAD 0.007%). This variant has not been reported in the literature in individuals affected with DDX41-related conditions. Algorithms developed to predict the effect of sequence changes on RNA splicing suggest that this variant may disrupt the consensus splice site. For these reasons, this variant has been classified as Pathogenic.

Literature cited by the submitters: PubMed 26712909; PubMed 27133828.

NM_016222.4(DDX41):c.1190dup (p.Asn397fs)

Gene: DDX41 (DEAD-box helicase 41; minus strand). Cytogenetic location: 5q35.3.
Variant type: Duplication.
Coding change: c.1190dup on transcript NM_016222.4 (MANE Select); coding-DNA position 1190, one base duplicated (A; older notation c.1190dupA).
Protein change: p.Asn397fs; shifts the reading frame from asparagine 397.
Molecular consequence: frameshift variant.
Genome position (GRCh38, 1-based): chr5:177,513,393, T duplicated on the plus strand (A on the coding strand, the reverse complement: DDX41 is on the minus strand); the first of 2 consecutive T bases (chr5:177,513,393-177,513,394); duplicating either gives the same sequence. VCF-style (leftmost placement, unchanged base first): chr5-177513392-A-AT. GRCh37 (hg19) VCF-style: chr5-176940393-A-AT.
Other names: c.812dup, p.Asn271fs (NM_001321732.2, NM_001321830.2); short protein forms N271fs, N397fs.
Identifiers: ClinVar variation 4723790 (VCV004723790.1).